The following is an entry in ClinVar:

ClinVar aggregate classification (germline): Pathogenic (3 of 4 stars; one submission).

Conditions:
Phenylketonuria (PKU). Also called: OLIGOPHRENIA PHENYLPYRUVICA; Phenylketonurias; Phenylketonuria (PKU); FOLLING DISEASE. Identifiers: Orphanet 716, MedGen C0031485, MONDO:0009861, OMIM 261600. Disease mechanism: loss of function.

Submission:

ClinGen PAH Variant Curation Expert Panel
Classification: Pathogenic for Phenylketonuria. Last evaluated: 2020-06-04. Review status: reviewed by expert panel. Criteria: ClinGen PAH ACMG Specifications v1. Collection method: curation. Allele origin: germline. Inheritance: Autosomal recessive inheritance.
Comment: The c.60+5G>C variant in PAH has been reported in a cohort of Germany PKU/HPA patients (PMID: 10394930) This variant is absent in population databases. Multiple lines of computational evidence support a deleterious effect. In summary, this variant meets criteria to be classified as uncertain significance for PAH. PAH-specific ACMG/AMP criteria applied: PP4, PM2, PP3.

Literature cited by the submitters: PubMed 10394930.

NM_000277.3(PAH):c.60+5G>C

Gene: PAH (phenylalanine hydroxylase; minus strand). Cytogenetic location: 12q23.2.
Variant type: single nucleotide variant.
Coding change: c.60+5G>C on transcript NM_000277.3 (MANE Select); 5 bases into the intron after coding-DNA position 60, G replaced by C.
Molecular consequence: intron variant.
Genome position (GRCh38, 1-based): chr12:102,917,066, C>G on the plus strand (G>C on the coding strand, the complement: PAH is on the minus strand). VCF-style: chr12-102917066-C-G. GRCh37 (hg19) VCF-style: chr12-103310844-C-G.
Other names: c.60+5G>C (NM_001354304.2).
Identifiers: ClinVar variation 932280 (VCV000932280.1), dbSNP rs62514895, ClinGen allele CA16020723.
Genomic context (GRCh38, chr12:102,917,066, plus strand): 5'-TTCGGATCTCTTTCTCTGGAGGCCCAAATTCCCCTAACTGAGCAGCTCAGGCTGCCGTGG[C>G]TCACCTGTCCAAAGTCAGAGAGTTTCCTGCCCAAGCCTGGGTTTTCCAGGACCGCAGTGG-3'